The following is an entry in ClinVar:

NM_007289.4(MME):c.1389C>T (p.Ala463=)

Gene: MME (membrane metalloendopeptidase; plus strand). Cytogenetic location: 3q25.2.
Variant type: single nucleotide variant.
Coding change: c.1389C>T on transcript NM_007289.4 (MANE Select); coding-DNA position 1389, C replaced by T.
Protein change: p.Ala463=; no amino-acid change (alanine 463 retained).
Molecular consequence: synonymous variant.
Genome position (GRCh38, 1-based): chr3:155,144,430, C>T. VCF-style: chr3-155144430-C-T. GRCh37 (hg19) VCF-style: chr3-154862219-C-T.
Other names: c.1389C>T, p.Ala463= (NM_000902.5, NM_001354642.2, NM_001354643.1 and 2 more transcripts).
Identifiers: ClinVar variation 1597032 (VCV001597032.36), dbSNP rs140315924, ClinGen allele CA2675485.

ClinVar aggregate classification (germline): Likely benign. Review status: criteria provided, multiple submitters, no conflicts (2 of 4 stars). 2 submissions from 2 submitters: Likely benign (2). Last evaluated 2024-04-29.

Allele frequency attached by ClinVar (database versions not stated): gnomAD exomes 0.00007; ExAC 0.00009; TOPMed 0.00009; ESP Exome Variant Server 0.00023.
gnomAD v4.1: 74 of 1,611,546 alleles (0.0046%); highest among the groups gnomAD compares: East Asian, 0.047%; no homozygotes.

Submissions (2):

Labcorp Genetics (formerly Invitae), Labcorp
Classification: Likely benign. Last evaluated: 2024-04-29. Review status: criteria provided, single submitter. Criteria: Invitae Variant Classification Sherloc (09022015). Collection method: clinical testing. Allele origin: germline.

CeGaT Center for Human Genetics Tuebingen
Classification: Likely benign. Last evaluated: 2022-12-01. Review status: criteria provided, single submitter. Criteria: CeGaT Center For Human Genetics Tuebingen Variant Classification Criteria Version 2. Collection method: clinical testing. Allele origin: germline. Affected: yes. Observed: 1 variant allele.
Comment: MME: BP4, BP7